The following is an entry in ClinVar:

ClinVar aggregate classification (germline): Pathogenic (1 of 4 stars; one submission).

Submission:

Labcorp Genetics (formerly Invitae), Labcorp
Classification: Pathogenic. Last evaluated: 2024-01-31. Review status: criteria provided, single submitter. Criteria: Invitae Variant Classification Sherloc (09022015). Collection method: clinical testing. Allele origin: germline.
Comment: This sequence change creates a premature translational stop signal (p.Arg543Glufs*6) in the LIFR gene. It is expected to result in an absent or disrupted protein product. Loss-of-function variants in LIFR are known to be pathogenic (PMID: 14740318). This variant is not present in population databases (gnomAD no frequency). This variant has not been reported in the literature in individuals affected with LIFR-related conditions. ClinVar contains an entry for this variant (Variation ID: 1072672). For these reasons, this variant has been classified as Pathogenic.

Literature cited by the submitters: PubMed 14740318.

NM_001127671.2(LIFR):c.1626dup (p.Arg543fs)

Gene: LIFR (LIF receptor subunit alpha; minus strand). Cytogenetic location: 5p13.1.
Variant type: Duplication.
Coding change: c.1626dup on transcript NM_001127671.2 (MANE Select); coding-DNA position 1626, one base duplicated (G; older notation c.1626dupG).
Protein change: p.Arg543fs; shifts the reading frame from arginine 543.
Molecular consequence: frameshift variant.
Genome position (GRCh38, 1-based): chr5:38,499,558, C duplicated on the plus strand (G on the coding strand, the reverse complement: LIFR is on the minus strand); the first of 2 consecutive C bases (chr5:38,499,558-38,499,559); duplicating either gives the same sequence. VCF-style (leftmost placement, unchanged base first): chr5-38499557-T-TC. GRCh37 (hg19) VCF-style: chr5-38499659-T-TC.
Other names: c.1626dup, p.Arg543fs (NM_001364298.2, NM_002310.6, NM_001364297.2); short protein forms R543fs.
Identifiers: ClinVar variation 1072672 (VCV001072672.7), dbSNP rs2112443938, ClinGen allele CA2499217855.